The following is an entry in ClinVar:

NM_000270.4(PNP):c.472del (p.Arg158fs)

Gene: PNP (purine nucleoside phosphorylase; plus strand). Cytogenetic location: 14q11.2.
Variant type: Deletion.
Coding change: c.472del on transcript NM_000270.4 (MANE Select); coding-DNA position 472, one base deleted (C; older notation c.472delC).
Protein change: p.Arg158fs; shifts the reading frame from arginine 158.
Molecular consequence: frameshift variant.
Genome position (GRCh38, 1-based): chr14:20,475,072, C deleted. VCF-style (leftmost placement, unchanged base first): chr14-20475071-TC-T. GRCh37 (hg19) VCF-style: chr14-20943230-TC-T.
Other names: short protein forms R158fs.
Identifiers: ClinVar variation 4731735 (VCV004731735.1).
Genomic context (GRCh38, chr14:20,475,071, plus strand): 5'-GGAGAATTTTTAAAATTCCGTTTATGTGAGATAATTCAACCTGTGTCCTAGGTTTGGAGA[TC>T]GTTTCCCTGCCATGTCTGATGCCTACGACCGGACTATGAGGCAGAGGGCTCTCAGTACCT-3'

ClinVar aggregate classification (germline): Pathogenic (1 of 4 stars; one submission).

Conditions:
Purine-nucleoside phosphorylase deficiency. Also called: Immunodeficiency due to purine nucleoside phosphorylase deficiency; NUCLEOSIDE PHOSPHORYLASE DEFICIENCY. Identifiers: Orphanet 760, MedGen C0268125, MONDO:0013171, OMIM 613179.

Submission:

Labcorp Genetics (formerly Invitae), Labcorp
Classification: Pathogenic for Purine-nucleoside phosphorylase deficiency. Last evaluated: 2025-11-23. Review status: criteria provided, single submitter. Criteria: Invitae Variant Classification Sherloc (09022015). Collection method: clinical testing. Allele origin: germline.
Comment: This sequence change creates a premature translational stop signal (p.Arg158Valfs*13) in the PNP gene. It is expected to result in an absent or disrupted protein product. Loss-of-function variants in PNP are known to be pathogenic (PMID: 24767876). This variant is not present in population databases (gnomAD no frequency). This variant has not been reported in the literature in individuals affected with PNP-related conditions. For these reasons, this variant has been classified as Pathogenic.

Literature cited by the submitters: PubMed 24767876.